The following is an entry in ClinVar:

NM_004933.3(CDH15):c.1040C>T (p.Pro347Leu)

Gene: CDH15 (cadherin 15; plus strand). Cytogenetic location: 16q24.3.
Variant type: single nucleotide variant.
Coding change: c.1040C>T on transcript NM_004933.3 (MANE Select); coding-DNA position 1040, C replaced by T.
Protein change: p.Pro347Leu; replaces proline 347 with leucine.
Molecular consequence: missense variant.
Genome position (GRCh38, 1-based): chr16:89,190,304, C>T. VCF-style: chr16-89190304-C-T. GRCh37 (hg19) VCF-style: chr16-89256712-C-T.
Other names: short protein forms P347L.
Identifiers: ClinVar variation 2647030 (VCV002647030.25), dbSNP rs769615158, ClinGen allele CA8239124.

ClinVar aggregate classification (germline): Uncertain significance. Review status: criteria provided, multiple submitters, no conflicts (2 of 4 stars). 2 submissions from 2 submitters: Uncertain significance (2). Last evaluated 2024-02-23.

Conditions:
Intellectual developmental disorder, autosomal dominant 3. Also called: Intellectual disability, autosomal dominant 3. Identifiers: MedGen C2675488, MONDO:0012946, OMIM 612580.

Allele frequency attached by ClinVar (database versions not stated): ExAC 0.00001; gnomAD 0.00001; TOPMed 0.00002; gnomAD exomes 0.00004.
gnomAD v4.1: 58 of 1,612,372 alleles (0.0036%); highest among the groups gnomAD compares: Middle Eastern, 0.016%; no homozygotes.

Submissions (2):

Fulgent Genetics
Classification: Uncertain significance for Intellectual developmental disorder, autosomal dominant 3. Last evaluated: 2024-02-23. Review status: criteria provided, single submitter. Criteria: ACMG Guidelines, 2015. Collection method: clinical testing. Allele origin: germline.

CeGaT Center for Human Genetics Tuebingen
Classification: Uncertain significance. Last evaluated: 2022-08-01. Review status: criteria provided, single submitter. Criteria: CeGaT Center For Human Genetics Tuebingen Variant Classification Criteria Version 2. Collection method: clinical testing. Allele origin: germline. Affected: yes. Observed: 1 variant allele.
Comment: CDH15: PM2, BP4